The following is an entry in ClinVar:

ClinVar aggregate classification (germline): Pathogenic (1 of 4 stars; one submission).

Conditions:
Chédiak-Higashi syndrome (CHS). Also called: Chediak-Higashi Syndrome. Identifiers: Orphanet 167, MedGen C0007965, MONDO:0008963, OMIM 214500.

Submission:

Labcorp Genetics (formerly Invitae), Labcorp
Classification: Pathogenic for Chédiak-Higashi syndrome. Last evaluated: 2023-05-25. Review status: criteria provided, single submitter. Criteria: Invitae Variant Classification Sherloc (09022015). Collection method: clinical testing. Allele origin: unknown.
Comment: For these reasons, this variant has been classified as Pathogenic. This variant has not been reported in the literature in individuals affected with LYST-related conditions. A gross deletion of the genomic region encompassing the full coding sequence of the LYST gene has been identified. Loss-of-function variants in LYST are known to be pathogenic (PMID: 9215679, 11857544). The boundaries of this event are unknown as they extend beyond the assayed region for this gene and therefore may encompass additional genes.

Literature cited by the submitters: PubMed 9215679; PubMed 11857544.

NC_000001.10:g.(?_235275379)_(236899040_?)del

Genes: ACTN2 (actinin alpha 2; plus strand), ARID4B (AT-rich interaction domain 4B; minus strand), B3GALNT2 (beta-1,3-N-acetylgalactosaminyltransferase 2; minus strand), EDARADD (EDAR associated via death domain; plus strand), ERO1B (endoplasmic reticulum oxidoreductase 1 beta; minus strand) and 10 more. Cytogenetic location: 1q42.3-43.
Variant type: Deletion.
Identifiers: ClinVar variation 3247621 (VCV003247621.1).